The following is an entry in ClinVar:

NM_020433.5(JPH2):c.1624C>T (p.Arg542Cys)

Gene: JPH2 (junctophilin 2; minus strand). Cytogenetic location: 20q13.12.
Variant type: single nucleotide variant.
Coding change: c.1624C>T on transcript NM_020433.5 (MANE Select); coding-DNA position 1624, C replaced by T.
Protein change: p.Arg542Cys; replaces arginine 542 with cysteine.
Molecular consequence: missense variant.
Genome position (GRCh38, 1-based): chr20:44,116,051, G>A on the plus strand (C>T on the coding strand, the complement: JPH2 is on the minus strand). VCF-style: chr20-44116051-G-A. GRCh37 (hg19) VCF-style: chr20-42744691-G-A.
Other names: short protein forms R542C.
Identifiers: ClinVar variation 1776666 (VCV001776666.8), dbSNP rs534764809, ClinGen allele CA9868653.

ClinVar aggregate classification (germline): Uncertain significance. Review status: criteria provided, multiple submitters, no conflicts (2 of 4 stars). 2 submissions from 2 submitters: Uncertain significance (2). Last evaluated 2023-10-03.

Conditions:
Hypertrophic cardiomyopathy. Also called: HYPERTROPHIC MYOCARDIOPATHY. Identifiers: Orphanet 217569, MedGen C0007194, MeSH D002312, MONDO:0005045, HP:0001639.
Cardiovascular phenotype. Identifiers: MedGen CN230736.

Allele frequency attached by ClinVar (database versions not stated): 1000 Genomes Project 0.00040; TOPMed 0.00002; gnomAD 0.00003; 1000 Genomes Project 30x 0.00016.
gnomAD v4.1: 14 of 1,562,950 alleles (0.0009%); highest among the groups gnomAD compares: African/African-American, 0.0097%; no homozygotes.

Submissions (2):

Labcorp Genetics (formerly Invitae), Labcorp
Classification: Uncertain significance for Hypertrophic cardiomyopathy. Last evaluated: 2023-10-03. Review status: criteria provided, single submitter. Criteria: Invitae Variant Classification Sherloc (09022015). Collection method: clinical testing. Allele origin: germline.
Comment: This sequence change replaces arginine, which is basic and polar, with cysteine, which is neutral and slightly polar, at codon 542 of the JPH2 protein (p.Arg542Cys). The frequency data for this variant in the population databases is considered unreliable, as metrics indicate poor data quality at this position in the gnomAD database. This variant has not been reported in the literature in individuals affected with JPH2-related conditions. ClinVar contains an entry for this variant (Variation ID: 1776666). An algorithm developed to predict the effect of missense changes on protein structure and function (PolyPhen-2) suggests that this variant is likely to be tolerated. In summary, the available evidence is currently insufficient to determine the role of this variant in disease. Therefore, it has been classified as a Variant of Uncertain Significance.

Ambry Genetics
Classification: Uncertain significance for Cardiovascular phenotype. Last evaluated: 2023-04-30. Review status: criteria provided, single submitter. Criteria: Ambry Variant Classification Scheme 2023. Collection method: clinical testing. Allele origin: germline.
Comment: The p.R542C variant (also known as c.1624C>T), located in coding exon 4 of the JPH2 gene, results from a C to T substitution at nucleotide position 1624. The arginine at codon 542 is replaced by cysteine, an amino acid with highly dissimilar properties. This amino acid position is poorly conserved in available vertebrate species. In addition, this alteration is predicted to be tolerated by in silico analysis. Since supporting evidence is limited at this time, the clinical significance of this alteration remains unclear.